The following is an entry in ClinVar:

ClinVar aggregate classification (germline): Uncertain significance (1 of 4 stars; one submission).

gnomAD v4.1: 5 of 1,604,378 alleles (0.00031%); highest among the groups gnomAD compares: Non-Finnish European, 0.00043%; no homozygotes.

Submission:

GeneDx
Classification: Uncertain significance. Last evaluated: 2024-07-03. Review status: criteria provided, single submitter. Criteria: GeneDx Variant Classification Process June 2021. Collection method: clinical testing. Allele origin: germline. Affected: yes.
Comment: Not observed at significant frequency in large population cohorts (gnomAD); In silico analysis supports that this missense variant has a deleterious effect on protein structure/function; Has not been previously published as pathogenic or benign to our knowledge

NM_000338.3(SLC12A1):c.804T>A (p.Asn268Lys)

Gene: SLC12A1 (solute carrier family 12 member 1; plus strand). Cytogenetic location: 15q21.1.
Variant type: single nucleotide variant.
Coding change: c.804T>A on transcript NM_000338.3 (MANE Select); coding-DNA position 804, T replaced by A.
Protein change: p.Asn268Lys; replaces asparagine 268 with lysine.
Molecular consequence: missense variant.
Genome position (GRCh38, 1-based): chr15:48,229,268, T>A. VCF-style: chr15-48229268-T-A. GRCh37 (hg19) VCF-style: chr15-48521465-T-A.
Other names: c.804T>A, p.Asn268Lys (NM_001184832.2, NM_001384136.1); short protein forms N268K.
Identifiers: ClinVar variation 3393763 (VCV003393763.1).